The following is an entry in ClinVar:

NM_000466.3(PEX1):c.2146C>T (p.Gln716Ter)

Gene: PEX1 (peroxisomal biogenesis factor 1; minus strand). Cytogenetic location: 7q21.2.
Variant type: single nucleotide variant.
Coding change: c.2146C>T on transcript NM_000466.3 (MANE Select); coding-DNA position 2146, C replaced by T.
Protein change: p.Gln716Ter; replaces glutamine 716 with a stop codon.
Molecular consequence: nonsense.
Genome position (GRCh38, 1-based): chr7:92,503,121, G>A on the plus strand (C>T on the coding strand, the complement: PEX1 is on the minus strand). VCF-style: chr7-92503121-G-A. GRCh37 (hg19) VCF-style: chr7-92132435-G-A.
Other names: c.2146C>T (NM_000466.2); c.1975C>T, p.Gln659Ter (NM_001282677.2); c.1522C>T, p.Gln508Ter (NM_001282678.2); short protein forms Q659*, Q716*, Q508*.
Identifiers: ClinVar variation 3017638 (VCV003017638.5), dbSNP rs1792014859, ClinGen allele CA368181691.

ClinVar aggregate classification (germline): Pathogenic/Likely pathogenic. Review status: criteria provided, multiple submitters, no conflicts (2 of 4 stars). 3 submissions from 3 submitters: Pathogenic (1); Likely pathogenic (2). Last evaluated 2025-09-10.

Conditions:
Zellweger spectrum disorders (ZS). Also called: Zellweger syndrome; Zellweger Spectrum Disorder; Zellweger Spectrum; Zellweger Spectrum Disorder (ZSD). Identifiers: Orphanet 912, MedGen C0043459, MONDO:0019609.
PEX1-related disorder. Also called: PEX1-related condition.

Allele frequency attached by ClinVar (database versions not stated): gnomAD exomes below 0.00001; TOPMed below 0.00001.
gnomAD v4.1: 1 of 1,613,460 alleles (0.000062%); highest among the groups gnomAD compares: Non-Finnish European, 0.000085%; no homozygotes.

Submissions (3):

Labcorp Genetics (formerly Invitae), Labcorp
Classification: Pathogenic for Zellweger spectrum disorders. Last evaluated: 2025-09-10. Review status: criteria provided, single submitter. Criteria: Invitae Variant Classification Sherloc (09022015). Collection method: clinical testing. Allele origin: germline.
Comment: This sequence change creates a premature translational stop signal (p.Gln716*) in the PEX1 gene. It is expected to result in an absent or disrupted protein product. Loss-of-function variants in PEX1 are known to be pathogenic (PMID: 21031596, 26387595, 31831025). This variant is not present in population databases (gnomAD no frequency). This variant has not been reported in the literature in individuals affected with PEX1-related conditions. ClinVar contains an entry for this variant (Variation ID: 3017638). Algorithms developed to predict the effect of sequence changes on RNA splicing suggest that this variant may disrupt the consensus splice site. For these reasons, this variant has been classified as Pathogenic.

Natera, Inc.
Classification: Likely pathogenic for Zellweger syndrome. Last evaluated: 2025-03-17. Review status: criteria provided, single submitter. Criteria: Natera Variant Classification Schema (03/2026). Collection method: clinical testing. Allele origin: germline.
Comment: The c.2146C>T variant in PEX1 is a nonsense variant predicted to introduce a stop codon at amino acid 716. This variant is expected to result in nonsense mediated decay, truncation, or a dysfunctional protein product. This variant is rare in the general population with a frequency below the threshold expected for the associated phenotype(s). Given the available evidence, this variant is classified as Likely Pathogenic.

Blueprint Genetics
Classification: Likely pathogenic for PEX1-related disorders. Last evaluated: 2021-06-23. Review status: criteria provided, single submitter. Criteria: ACMG Guidelines, 2015. Collection method: clinical testing. Allele origin: germline. Affected: yes. Observed: 2 variant alleles.

Literature cited by the submitters: PubMed 21031596 (cited by Labcorp Genetics (formerly Invitae), Labcorp); PubMed 26387595 (cited by Labcorp Genetics (formerly Invitae), Labcorp); PubMed 31831025 (cited by Labcorp Genetics (formerly Invitae), Labcorp).